The following is an entry in ClinVar:

ClinVar aggregate classification (germline): Benign/Likely benign. Review status: criteria provided, multiple submitters, no conflicts (2 of 4 stars). 2 submissions from 2 submitters: Benign (1); Likely benign (1). Last evaluated 2024-11-08.

Allele frequency attached by ClinVar (database versions not stated): gnomAD 0.00039 and 0.00062; TOPMed 0.00084; gnomAD exomes 0.00127; ExAC 0.00149; 1000 Genomes Project 30x 0.00234; 1000 Genomes Project 0.00280.
gnomAD v4.1: 714 of 1,608,092 alleles (0.044%); highest among the groups gnomAD compares: East Asian, 1.3%; 7 homozygotes.

Submissions (2):

Blueprint Genetics
Classification: Likely benign. Last evaluated: 2024-11-08. Review status: criteria provided, single submitter. Criteria: ACMG Guidelines, 2015. Collection method: clinical testing. Allele origin: germline.

GeneDx
Classification: Benign. Last evaluated: 2013-09-05. Review status: criteria provided, single submitter. Criteria: GeneDx Variant Classification (06012015). Collection method: clinical testing. Allele origin: germline. Affected: yes.
Comment: This variant is considered likely benign or benign based on one or more of the following criteria: it is a conservative change, it occurs at a poorly conserved position in the protein, it is predicted to be benign by multiple in silico algorithms, and/or has population frequency not consistent with disease.

NM_016065.4(MRPS16):c.-8G>C

Genes: DNAJC9-AS1 (DNAJC9 and MRPS16 antisense RNA 1; plus strand), MRPS16 (mitochondrial ribosomal protein S16; minus strand). Cytogenetic location: 10q22.2.
Variant type: single nucleotide variant.
Coding change: c.-8G>C on transcript NM_016065.4 (MANE Select); 8 bases upstream of the start codon, G replaced by C.
Molecular consequence: 5 prime UTR variant.
Genome position (GRCh38, 1-based): chr10:73,252,490, C>G on the plus strand (G>C on the coding strand, the complement: MRPS16 is on the minus strand). VCF-style: chr10-73252490-C-G. GRCh37 (hg19) VCF-style: chr10-75012248-C-G.
Identifiers: ClinVar variation 138249 (VCV000138249.2), dbSNP rs2271909, ClinGen allele CA292138.